The following is an entry in ClinVar:

NC_000016.9:g.(?_5132540)_(5134882_?)del

Genes: EEF2KMT (eukaryotic elongation factor 2 lysine methyltransferase; minus strand), ALG1 (ALG1 chitobiosyldiphosphodolichol beta-mannosyltransferase; plus strand). Cytogenetic location: 16p13.3.
Variant type: Deletion.
Identifiers: ClinVar variation 3243497 (VCV003243497.1).

ClinVar aggregate classification (germline): Pathogenic (1 of 4 stars; one submission).

Conditions:
ALG1-congenital disorder of glycosylation. Also called: CONGENITAL DISORDER OF GLYCOSYLATION, TYPE Ik; CDG Ik; ALG1-CDG. Identifiers: Orphanet 79327, MedGen C2931005, MONDO:0012052, OMIM 608540.

Submission:

Labcorp Genetics (formerly Invitae), Labcorp
Classification: Pathogenic for ALG1-congenital disorder of glycosylation. Last evaluated: 2023-03-21. Review status: criteria provided, single submitter. Criteria: Invitae Variant Classification Sherloc (09022015). Collection method: clinical testing. Allele origin: unknown.
Comment: For these reasons, this variant has been classified as Pathogenic. This variant disrupts a region of the ALG1 protein in which other variant(s) (p.Arg438Trp) have been determined to be pathogenic (PMID: 20679665, 24157261, 26931382). This suggests that this is a clinically significant region of the protein, and that variants that disrupt it are likely to be disease-causing. This variant has not been reported in the literature in individuals affected with ALG1-related conditions. This variant is a gross deletion of the genomic region encompassing exon(s) 11-13 of the ALG1 gene, which includes the termination codon. This deletion extends beyond the assayed region for this gene and therefore may encompass additional genes. While this deletion is not anticipated to lead to nonsense mediated decay, it is expected to alter mRNA translation or result in a truncated protein product.

Literature cited by the submitters: PubMed 20679665; PubMed 24157261; PubMed 26931382.